The following is an entry in ClinVar:

NM_152383.5(DIS3L2):c.635A>G (p.Asp212Gly)

Gene: DIS3L2 (DIS3 like 3'-5' exoribonuclease 2; plus strand). Cytogenetic location: 2q37.1.
Variant type: single nucleotide variant.
Coding change: c.635A>G on transcript NM_152383.5 (MANE Select); coding-DNA position 635, A replaced by G.
Protein change: p.Asp212Gly; replaces aspartic acid 212 with glycine.
Molecular consequence: missense variant. On other transcripts: non-coding transcript variant (2).
Genome position (GRCh38, 1-based): chr2:232,130,652, A>G. VCF-style: chr2-232130652-A-G. GRCh37 (hg19) VCF-style: chr2-232995362-A-G.
Other names: c.635A>G, p.Asp212Gly (NM_001257281.2, NM_001257282.2); short protein forms D212G.
Identifiers: ClinVar variation 962597 (VCV000962597.9), dbSNP rs1234285631, ClinGen allele CA351153152.

ClinVar aggregate classification (germline): Uncertain significance (1 of 4 stars; one submission).

Conditions:
Perlman syndrome (PRLMNS). Identifiers: Orphanet 2849, MedGen C0796113, MONDO:0009965, OMIM 267000.

Allele frequency attached by ClinVar (database versions not stated): TOPMed 0.00001.

Submission:

Labcorp Genetics (formerly Invitae), Labcorp
Classification: Uncertain significance for Perlman syndrome. Last evaluated: 2022-09-25. Review status: criteria provided, single submitter. Criteria: Invitae Variant Classification Sherloc (09022015). Collection method: clinical testing. Allele origin: germline.
Comment: This sequence change replaces aspartic acid, which is acidic and polar, with glycine, which is neutral and non-polar, at codon 212 of the DIS3L2 protein (p.Asp212Gly). This variant is not present in population databases (gnomAD no frequency). This variant has not been reported in the literature in individuals affected with DIS3L2-related conditions. ClinVar contains an entry for this variant (Variation ID: 962597). Algorithms developed to predict the effect of missense changes on protein structure and function (SIFT, PolyPhen-2, Align-GVGD) all suggest that this variant is likely to be tolerated. Algorithms developed to predict the effect of sequence changes on RNA splicing suggest that this variant may create or strengthen a splice site. In summary, the available evidence is currently insufficient to determine the role of this variant in disease. Therefore, it has been classified as a Variant of Uncertain Significance.